The following is an entry in ClinVar:

NM_000046.5(ARSB):c.823G>T (p.Glu275Ter)

Gene: ARSB (arylsulfatase B; minus strand). Cytogenetic location: 5q14.1.
Variant type: single nucleotide variant.
Coding change: c.823G>T on transcript NM_000046.5 (MANE Select); coding-DNA position 823, G replaced by T.
Protein change: p.Glu275Ter; replaces glutamic acid 275 with a stop codon.
Molecular consequence: nonsense.
Genome position (GRCh38, 1-based): chr5:78,955,370, C>A on the plus strand (G>T on the coding strand, the complement: ARSB is on the minus strand). VCF-style: chr5-78955370-C-A. GRCh37 (hg19) VCF-style: chr5-78251193-C-A.
Other names: c.823G>T, p.Glu275Ter (NM_198709.3); short protein forms E275*.
Identifiers: ClinVar variation 644772 (VCV000644772.8), dbSNP rs1580121683, ClinGen allele CA360192050.

ClinVar aggregate classification (germline): Pathogenic/Likely pathogenic. Review status: criteria provided, multiple submitters, no conflicts (2 of 4 stars). 2 submissions from 2 submitters: Pathogenic (1); Likely pathogenic (1). Last evaluated 2024-02-26.

Conditions:
Mucopolysaccharidosis type 6 (MPS6). Also called: MPS 6; Maroteaux Lamy syndrome; MPS VI; ARSB DEFICIENCY; ARYLSULFATASE B DEFICIENCY; N-ACETYLGALACTOSAMINE-4-SULFATASE DEFICIENCY. Identifiers: Orphanet 583, MedGen C0026709, MONDO:0009661, OMIM 253200.

Allele frequency attached by ClinVar (database versions not stated): gnomAD exomes below 0.00001.
gnomAD v4.1: 7 of 1,614,210 alleles (0.00043%); highest among the groups gnomAD compares: Non-Finnish European, 0.00059%; no homozygotes.

Submissions (2):

Baylor Genetics
Classification: Likely pathogenic for Mucopolysaccharidosis type 6. Last evaluated: 2024-02-26. Review status: criteria provided, single submitter. Criteria: ACMG Guidelines, 2015. Collection method: clinical testing. Allele origin: unknown.

Labcorp Genetics (formerly Invitae), Labcorp
Classification: Pathogenic for Mucopolysaccharidosis type 6. Last evaluated: 2022-04-14. Review status: criteria provided, single submitter. Criteria: Invitae Variant Classification Sherloc (09022015). Collection method: clinical testing. Allele origin: germline.
Comment: This variant is not present in population databases (gnomAD no frequency). For these reasons, this variant has been classified as Pathogenic. ClinVar contains an entry for this variant (Variation ID: 644772). This variant has not been reported in the literature in individuals affected with ARSB-related conditions. This sequence change creates a premature translational stop signal (p.Glu275*) in the ARSB gene. It is expected to result in an absent or disrupted protein product. Loss-of-function variants in ARSB are known to be pathogenic (PMID: 17458871, 22133300).

Literature cited by the submitters: PubMed 17458871 (cited by Labcorp Genetics (formerly Invitae), Labcorp); PubMed 22133300 (cited by Labcorp Genetics (formerly Invitae), Labcorp).